The following is an entry in ClinVar:

ClinVar aggregate classification (germline): Likely pathogenic (1 of 4 stars; one submission).

Conditions:
Retinitis pigmentosa 3. Also called: CHOROIDORETINAL DEGENERATION WITH RETINAL REFLEX IN HETEROZYGOUS WOMEN. Identifiers: Orphanet 791, MedGen C1845667, MONDO:0010227, OMIM 300029.

Submission:

Juno Genomics, Hangzhou Juno Genomics, Inc
Classification: Likely pathogenic for Retinitis pigmentosa 3. Review status: criteria provided, single submitter. Criteria: ACMG Guidelines, 2015. Collection method: clinical testing. Allele origin: germline. Affected: yes.
Comment: Null variant in a gene where loss of function (LOF) is a known mechanism of disease.;Absent from controls (or at extremely low frequency if recessive) in Genome Aggregation Database, Exome Sequencing Project, 1000 Genomes Project, or Exome Aggregation Consortium.;Patient's phenotype or family history is highly specific for a disease with a single genetic etiology.

NM_001034853.2(RPGR):c.2797G>T (p.Glu933Ter)

Gene: RPGR (retinitis pigmentosa GTPase regulator; minus strand). Cytogenetic location: Xp11.4.
Variant type: single nucleotide variant.
Coding change: c.2797G>T on transcript NM_001034853.2 (MANE Select); coding-DNA position 2797, G replaced by T.
Protein change: p.Glu933Ter; replaces glutamic acid 933 with a stop codon.
Molecular consequence: nonsense. On other transcripts: intron variant (8).
Genome position (GRCh38, 1-based): chrX:38,286,202, C>A on the plus strand (G>T on the coding strand, the complement: RPGR is on the minus strand). VCF-style: chrX-38286202-C-A. GRCh37 (hg19) VCF-style: chrX-38145455-C-A.
Other names: c.1569+4757G>T (NM_001367249.1, NM_001367250.1); c.1902+892G>T (NM_001367245.1); c.1386+4757G>T (NM_001367251.1); c.1719+892G>T (NM_001367246.1); c.1572+4757G>T (NM_001367247.1); c.1905+892G>T (NM_000328.3); c.1602+4757G>T (NM_001367248.1); short protein forms E933*.
Identifiers: ClinVar variation 3382545 (VCV003382545.2).